The following is an entry in ClinVar:

NM_005751.5(AKAP9):c.931-178T>G

Gene: AKAP9 (A-kinase anchoring protein 9; plus strand). Cytogenetic location: 7q21.2.
Variant type: single nucleotide variant.
Coding change: c.931-178T>G on transcript NM_005751.5 (MANE Select); 178 bases into the intron before coding-DNA position 931, T replaced by G.
Molecular consequence: intron variant.
Genome position (GRCh38, 1-based): chr7:92,000,670, T>G. VCF-style: chr7-92000670-T-G. GRCh37 (hg19) VCF-style: chr7-91629984-T-G.
Other names: c.931-178T>G (NM_147185.3).
Identifiers: ClinVar variation 671862 (VCV000671862.1), dbSNP rs3753108, ClinGen allele CA12475484.

ClinVar aggregate classification (germline): Benign (1 of 4 stars; one submission).

Allele frequency attached by ClinVar (database versions not stated): 1000 Genomes Project 0.42352; 1000 Genomes Project 30x 0.43098; gnomAD 0.45037 and 0.45626; TOPMed 0.45483.
gnomAD v4.1: 68,220 of 151,922 alleles (45%); highest among the groups gnomAD compares: African/African-American, 63%; 16,391 homozygotes.

Submission:

GeneDx
Classification: Benign. Last evaluated: 2018-06-14. Review status: criteria provided, single submitter. Criteria: GeneDx Variant Classification (06012015). Collection method: clinical testing. Allele origin: germline. Affected: yes.
Comment: This variant is considered likely benign or benign based on one or more of the following criteria: it is a conservative change, it occurs at a poorly conserved position in the protein, it is predicted to be benign by multiple in silico algorithms, and/or has population frequency not consistent with disease.